The following is an entry in ClinVar:

ClinVar aggregate classification (germline): Uncertain significance. Review status: criteria provided, multiple submitters, no conflicts (2 of 4 stars). 2 submissions from 2 submitters: Uncertain significance (2). Last evaluated 2024-07-08.

Allele frequency attached by ClinVar (database versions not stated): gnomAD 0.00011; gnomAD exomes 0.00014 and 0.00028; TOPMed 0.00016; ESP Exome Variant Server 0.00023; ExAC 0.00030.
gnomAD v4.1: 233 of 1,612,850 alleles (0.014%); highest among the groups gnomAD compares: Admixed American, 0.013%; no homozygotes.

Submissions (2):

Women's Health and Genetics/Laboratory Corporation of America, LabCorp
Classification: Uncertain significance. Last evaluated: 2024-07-08. Review status: criteria provided, single submitter. Criteria: LabCorp Variant Classification Summary - May 2015. Collection method: clinical testing. Allele origin: germline.
Comment: Variant summary: PCYT2 c.605G>A (p.Arg202Gln) results in a conservative amino acid change in the encoded protein sequence. Five of five in-silico tools predict a benign effect of the variant on protein function. The variant allele was found at a frequency of 0.00028 in 250140 control chromosomes. This frequency is not significantly higher than estimated for a pathogenic variant in PCYT2 causing Autosomal Recessive Spastic Paraplegia 82, allowing no conclusion about variant significance. To our knowledge, no occurrence of c.605G>A in individuals affected with Spastic Paraplegia and no experimental evidence demonstrating its impact on protein function have been reported. ClinVar contains an entry for this variant (Variation ID: 1334726). Based on the evidence outlined above, the variant was classified as uncertain significance.

Greenwood Genetic Center Diagnostic Laboratories, Greenwood Genetic Center
Classification: Uncertain significance. Last evaluated: 2021-04-01. Review status: criteria provided, single submitter. Criteria: ACMG Guidelines, 2015. Collection method: clinical testing. Allele origin: germline. Affected: yes.
Comment: PM2

NM_002861.5(PCYT2):c.551G>A (p.Arg184Gln)

Gene: PCYT2 (phosphate cytidylyltransferase 2, ethanolamine; minus strand). Cytogenetic location: 17q25.3.
Variant type: single nucleotide variant.
Coding change: c.551G>A on transcript NM_002861.5 (MANE Select); coding-DNA position 551, G replaced by A.
Protein change: p.Arg184Gln; replaces arginine 184 with glutamine.
Molecular consequence: missense variant.
Genome position (GRCh38, 1-based): chr17:81,906,885, C>T on the plus strand (G>A on the coding strand, the complement: PCYT2 is on the minus strand). VCF-style: chr17-81906885-C-T. GRCh37 (hg19) VCF-style: chr17-79864761-C-T.
Other names: c.605G>A, p.Arg202Gln (NM_001184917.3); c.389G>A, p.Arg130Gln (NM_001256433.3); c.428G>A, p.Arg143Gln (NM_001256434.3); c.317G>A, p.Arg106Gln (NM_001256435.3, NM_001282203.2); c.455G>A, p.Arg152Gln (NM_001282204.2); c.551G>A, p.Arg184Gln (NM_001330518.2); short protein forms R106Q, R130Q, R143Q, R152Q, R184Q, R202Q.
Identifiers: ClinVar variation 1334726 (VCV001334726.5), dbSNP rs200287081, ClinGen allele CA8844303.